The following is an entry in ClinVar:

ClinVar aggregate classification (germline): Uncertain significance (1 of 4 stars; one submission).

gnomAD v4.1: 1 of 1,602,010 alleles (0.000062%); highest among the groups gnomAD compares: African/African-American, 0.0013%; no homozygotes.

Submission:

Labcorp Genetics (formerly Invitae), Labcorp
Classification: Uncertain significance. Last evaluated: 2025-08-26. Review status: criteria provided, single submitter. Criteria: Invitae Variant Classification Sherloc (09022015). Collection method: clinical testing. Allele origin: germline.
Comment: This sequence change replaces valine, which is neutral and non-polar, with aspartic acid, which is acidic and polar, at codon 330 of the LZTS1 protein (p.Val330Asp). This variant is not present in population databases (gnomAD no frequency). This variant has not been reported in the literature in individuals affected with LZTS1-related conditions. Invitae Evidence Modeling of protein sequence and biophysical properties (such as structural, functional, and spatial information, amino acid conservation, physicochemical variation, residue mobility, and thermodynamic stability) has been performed for this missense variant. However, the output from this modeling did not meet the statistical confidence thresholds required to predict the impact of this variant on LZTS1 protein function. In summary, the available evidence is currently insufficient to determine the role of this variant in disease. Therefore, it has been classified as a Variant of Uncertain Significance.

NM_021020.5(LZTS1):c.989T>A (p.Val330Asp)

Gene: LZTS1 (leucine zipper tumor suppressor 1; minus strand). Cytogenetic location: 8p21.3.
Variant type: single nucleotide variant.
Coding change: c.989T>A on transcript NM_021020.5 (MANE Select); coding-DNA position 989, T replaced by A.
Protein change: p.Val330Asp; replaces valine 330 with aspartic acid.
Molecular consequence: missense variant.
Genome position (GRCh38, 1-based): chr8:20,252,942, A>T on the plus strand (T>A on the coding strand, the complement: LZTS1 is on the minus strand). VCF-style: chr8-20252942-A-T. GRCh37 (hg19) VCF-style: chr8-20110453-A-T.
Other names: c.989T>A, p.Val330Asp (NM_001362884.2); short protein forms V330D.
Identifiers: ClinVar variation 4739868 (VCV004739868.1).